The following is an entry in ClinVar:

NM_012275.3(IL36RN):c.123G>C (p.Glu41Asp)

Gene: IL36RN (interleukin 36 receptor antagonist; plus strand). Cytogenetic location: 2q14.1.
Variant type: single nucleotide variant.
Coding change: c.123G>C on transcript NM_012275.3 (MANE Select); coding-DNA position 123, G replaced by C.
Protein change: p.Glu41Asp; replaces glutamic acid 41 with aspartic acid.
Molecular consequence: missense variant.
Genome position (GRCh38, 1-based): chr2:113,062,131, G>C. VCF-style: chr2-113062131-G-C. GRCh37 (hg19) VCF-style: chr2-113819708-G-C.
Other names: c.123G>C, p.Glu41Asp (NM_173170.1); short protein forms E41D.
Identifiers: ClinVar variation 2003679 (VCV002003679.4), dbSNP rs1685653783, ClinGen allele CA348289951.
Genomic context (GRCh38, chr2:113,062,131, plus strand): 5'-GGAAGAAGGAGGGAAAGGCATCCAGGGCCCTGCATCTGGCCTCTTTCCCACAGGTGAAGA[G>C]ATCAGCGTGGTCCCCAATCGGTGGCTGGATGCCAGCCTGTCCCCCGTCATCCTGGGTGTC-3'
Protein context (NP_036407.1, residues 31-51): LHAGKVIKGE[Glu41Asp]ISVVPNRWLD

ClinVar aggregate classification (germline): Uncertain significance (1 of 4 stars; one submission).

Conditions:
Generalized pustular psoriasis. Identifiers: Orphanet 247353, MedGen C0343055, MONDO:0100491.

Submission:

Labcorp Genetics (formerly Invitae), Labcorp
Classification: Uncertain significance for Generalized pustular psoriasis. Last evaluated: 2022-06-14. Review status: criteria provided, single submitter. Criteria: Invitae Variant Classification Sherloc (09022015). Collection method: clinical testing. Allele origin: germline.
Comment: This sequence change replaces glutamic acid, which is acidic and polar, with aspartic acid, which is acidic and polar, at codon 41 of the IL36RN protein (p.Glu41Asp). This variant is not present in population databases (gnomAD no frequency). This variant has not been reported in the literature in individuals affected with IL36RN-related conditions. Algorithms developed to predict the effect of missense changes on protein structure and function (SIFT, PolyPhen-2, Align-GVGD) all suggest that this variant is likely to be disruptive. In summary, the available evidence is currently insufficient to determine the role of this variant in disease. Therefore, it has been classified as a Variant of Uncertain Significance.